The following is an entry in ClinVar:

ClinVar aggregate classification (germline): Uncertain significance (1 of 4 stars; one submission).

Conditions:
Hereditary cancer-predisposing syndrome. Also called: Neoplastic Syndromes, Hereditary; Tumor predisposition; Hereditary Cancer Syndrome; Hereditary neoplastic syndrome. Identifiers: Orphanet 140162, MedGen C0027672, MeSH D009386, MONDO:0015356.

Submission:

Ambry Genetics
Classification: Uncertain significance for Hereditary cancer-predisposing syndrome. Last evaluated: 2026-02-20. Review status: criteria provided, single submitter. Criteria: Ambry Variant Classification Scheme 2023. Collection method: clinical testing. Allele origin: germline.
Comment: The p.W2612L variant (also known as c.7835G>T), located in coding exon 15 of the APC gene, results from a G to T substitution at nucleotide position 7835. The tryptophan at codon 2612 is replaced by leucine, an amino acid with similar properties. This amino acid position is conserved. In addition, in silico predictors for this gene do not accurately predict pathogenicity. Based on the available evidence, the clinical significance of this variant remains unclear.

NM_000038.6(APC):c.7835G>T (p.Trp2612Leu)

Gene: APC (APC regulator of Wnt signaling pathway; plus strand). Cytogenetic location: 5q22.2.
Variant type: single nucleotide variant.
Coding change: c.7835G>T on transcript NM_000038.6 (MANE Select); coding-DNA position 7835, G replaced by T.
Protein change: p.Trp2612Leu; replaces tryptophan 2612 with leucine.
Molecular consequence: missense variant. On other transcripts: non-coding transcript variant (2).
Genome position (GRCh38, 1-based): chr5:112,843,429, G>T. VCF-style: chr5-112843429-G-T. GRCh37 (hg19) VCF-style: chr5-112179126-G-T.
Other names: c.7835G>T, p.Trp2612Leu (NM_001127510.3, NM_001354895.2, NM_001407450.1); c.7781G>T, p.Trp2594Leu (NM_001127511.3); c.7889G>T, p.Trp2630Leu (NM_001354896.2, NM_001407447.1, NM_001407448.1 and 1 more transcripts); c.7865G>T, p.Trp2622Leu (NM_001354897.2); c.7760G>T, p.Trp2587Leu (NM_001354898.2); c.7751G>T, p.Trp2584Leu (NM_001354899.2); c.7712G>T, p.Trp2571Leu (NM_001354900.2); c.7658G>T, p.Trp2553Leu (NM_001354901.2, NM_001407453.1); and 11 more; short protein forms W2228L, W2602L, W2329L, W2622L, W2452L, W2529L, W2553L, W2571L.
Identifiers: ClinVar variation 4825080 (VCV004825080.1).
Genomic context (GRCh38, chr5:112,843,429, plus strand): 5'-TGAACTCTATTTCAGGAACCAAACAAAGTAAAGAAAACCAAGTATCCGCAAAAGGAACAT[G>T]GAGAAAAATAAAAGAAAATGAATTTTCTCCCACAAATAGTACTTCTCAGACCGTTTCCTC-3'
Protein context (NP_000029.2, residues 2602-2622): KENQVSAKGT[Trp2612Leu]RKIKENEFSP